The following is an entry in ClinVar:

ClinVar aggregate classification (germline): Uncertain significance (1 of 4 stars; one submission).

Conditions:
Parathyroid carcinoma (PRTC). Also called: CDC73-Related Parathyroid Carcinoma; Parathyroid gland carcinoma. Identifiers: Orphanet 143, MedGen C0687150, MONDO:0012004, OMIM 608266, HP:0006780.

Submission:

Labcorp Genetics (formerly Invitae), Labcorp
Classification: Uncertain significance for Parathyroid carcinoma. Last evaluated: 2025-12-28. Review status: criteria provided, single submitter. Criteria: Invitae Variant Classification Sherloc (09022015). Collection method: clinical testing. Allele origin: germline.
Comment: This sequence change falls in intron 12 of the CDC73 gene. It does not directly change the encoded amino acid sequence of the CDC73 protein. It affects a nucleotide within the consensus splice site. This variant is not present in population databases (gnomAD no frequency). This variant has not been reported in the literature in individuals affected with CDC73-related conditions. ClinVar contains an entry for this variant (Variation ID: 3651573). Variants that disrupt the consensus splice site are a relatively common cause of aberrant splicing (PMID: 17576681, 9536098). Algorithms developed to predict the effect of sequence changes on RNA splicing suggest that this variant is not likely to affect RNA splicing. In summary, the available evidence is currently insufficient to determine the role of this variant in disease. Therefore, it has been classified as a Variant of Uncertain Significance.

Literature cited by the submitters: PubMed 17576681; PubMed 9536098.

NM_024529.5(CDC73):c.1066+6G>A

Gene: CDC73 (cell division cycle 73; plus strand). Cytogenetic location: 1q31.2.
Variant type: single nucleotide variant.
Coding change: c.1066+6G>A on transcript NM_024529.5 (MANE Select); 6 bases into the intron after coding-DNA position 1066, G replaced by A.
Molecular consequence: intron variant.
Genome position (GRCh38, 1-based): chr1:193,212,106, G>A. VCF-style: chr1-193212106-G-A. GRCh37 (hg19) VCF-style: chr1-193181236-G-A.
Identifiers: ClinVar variation 3651573 (VCV003651573.2).